The following is an entry in ClinVar:

NM_007294.4(BRCA1):c.551C>T (p.Ser184Phe)

Gene: BRCA1 (BRCA1 DNA repair associated; minus strand). Cytogenetic location: 17q21.31.
Variant type: single nucleotide variant.
Coding change: c.551C>T on transcript NM_007294.4 (MANE Select); coding-DNA position 551, C replaced by T.
Protein change: p.Ser184Phe; replaces serine 184 with phenylalanine.
Molecular consequence: missense variant. On other transcripts: non-coding transcript variant (1).
Genome position (GRCh38, 1-based): chr17:43,097,286, G>A on the plus strand (C>T on the coding strand, the complement: BRCA1 is on the minus strand). VCF-style: chr17-43097286-G-A. GRCh37 (hg19) VCF-style: chr17-41249303-G-A.
Other names: c.551C>T, p.Ser184Phe (NM_001407976.1, NM_001407979.1, NM_001407980.1 and 59 more transcripts); c.548C>T, p.Ser183Phe (NM_001407633.1, NM_001407637.1, NM_001407638.1 and 41 more transcripts); c.338C>T, p.Ser113Phe (NM_001407571.1, NM_001407853.1, NM_001407894.1 and 12 more transcripts); c.542C>T, p.Ser181Phe (NM_001407646.1, NM_001407647.1, NM_001408408.1); c.473C>T, p.Ser158Phe (NM_001407653.1, NM_001407654.1, NM_001407655.1 and 9 more transcripts); c.470C>T, p.Ser157Phe (NM_001407659.1, NM_001407660.1, NM_001407661.1 and 3 more transcripts); c.410C>T, p.Ser137Phe (NM_001407692.1, NM_001407694.1, NM_001407695.1 and 43 more transcripts); c.407C>T, p.Ser136Phe (NM_001407740.1, NM_001407741.1, NM_001407742.1 and 26 more transcripts); and 4 more; short protein forms S184F, S137F, S136F, S158F, S113F, S139F, S157F, S183F.
Identifiers: ClinVar variation 240825 (VCV000240825.15), dbSNP rs878854961, ClinGen allele CA10583590.
Genomic context (GRCh38, chr17:43,097,286, plus strand): 5'-AGGTTCTCTTTGACTCACCTGCAATAAGTTGCCTTATTAACGGTATCTTCAGAAGAATCA[G>A]ATCCTAAAAAATTTCCCCCCAAAAAATAAATCAATAAAAGTTTTCTTAATTAAAAGGGTT-3'
Protein context (NP_009225.1, residues 174-194): QKTSVYIELG[Ser184Phe]DSSEDTVNKA

ClinVar aggregate classification (germline): Uncertain significance. Review status: criteria provided, multiple submitters, no conflicts (2 of 4 stars). 3 submissions from 3 submitters: Uncertain significance (3). Last evaluated 2021-07-15.

Conditions:
Hereditary cancer-predisposing syndrome. Also called: Tumor predisposition; Neoplastic Syndromes, Hereditary; Hereditary Cancer Syndrome; Hereditary neoplastic syndrome. Identifiers: Orphanet 140162, MedGen C0027672, MeSH D009386, MONDO:0015356.
Hereditary breast ovarian cancer syndrome. Also called: Hereditary breast and ovarian cancer syndrome; Hereditary breast and ovarian cancer; Hereditary breast and ovarian cancer syndrome (HBOC); Hereditary breast and/or ovarian cancer syndrome; Breast and ovarian cancer; BRCA1- and BRCA2-Associated Hereditary Breast and Ovarian Cancer. Identifiers: Orphanet 145, MedGen C0677776, MeSH D061325, MONDO:0003582. Disease mechanism: loss of function.

Submissions (3):

Labcorp Genetics (formerly Invitae), Labcorp
Classification: Uncertain significance for Hereditary breast ovarian cancer syndrome. Last evaluated: 2021-07-15. Review status: criteria provided, single submitter. Criteria: Invitae Variant Classification Sherloc (09022015). Collection method: clinical testing. Allele origin: germline.
Comment: ClinVar contains an entry for this variant (Variation ID: 240825). In summary, the available evidence is currently insufficient to determine the role of this variant in disease. Therefore, it has been classified as a Variant of Uncertain Significance. Advanced modeling of protein sequence and biophysical properties (such as structural, functional, and spatial information, amino acid conservation, physicochemical variation, residue mobility, and thermodynamic stability) performed at Invitae indicates that this missense variant is not expected to disrupt BRCA1 protein function. This variant has not been reported in the literature in individuals affected with BRCA1-related conditions. This variant is not present in population databases (ExAC no frequency). This sequence change replaces serine with phenylalanine at codon 184 of the BRCA1 protein (p.Ser184Phe). The serine residue is moderately conserved and there is a large physicochemical difference between serine and phenylalanine.

Cambridge Genomics Laboratory, East Genomic Laboratory Hub, NHS Genomic Medicine Service
Classification: Uncertain significance for Hereditary breast ovarian cancer syndrome. Last evaluated: 2020-06-22. Review status: criteria provided, single submitter. Criteria: ACGS Best Practice Guidelines for Variant Classification in Rare Disease 2020. Collection method: clinical testing. Allele origin: germline. Affected: yes. Observed: 1 variant allele.

Ambry Genetics
Classification: Uncertain significance for Hereditary cancer-predisposing syndrome. Last evaluated: 2018-06-29. Review status: criteria provided, single submitter. Criteria: Ambry Variant Classification Scheme 2023. Collection method: clinical testing. Allele origin: germline.
Comment: The p.S184F variant (also known as c.551C>T), located in coding exon 7 of the BRCA1 gene, results from a C to T substitution at nucleotide position 551. The serine at codon 184 is replaced by phenylalanine, an amino acid with highly dissimilar properties. This amino acid position is highly conserved in available vertebrate species. In addition, this alteration is predicted to be deleterious by in silico analysis. Since supporting evidence is limited at this time, the clinical significance of this alteration remains unclear.